The following is an entry in ClinVar:

ClinVar aggregate classification (germline): Uncertain significance. Review status: criteria provided, multiple submitters, no conflicts (2 of 4 stars). 3 submissions from 3 submitters: Uncertain significance (3). Last evaluated 2026-07-01.

Conditions:
Inborn genetic diseases. Identifiers: MedGen C0950123, MeSH D030342.
Developmental delay with autism spectrum disorder and gait instability (MRT38). Also called: Intellectual developmental disorder, autosomal recessive 38. Identifiers: Orphanet 329195, MedGen C3809753, MONDO:0014224, OMIM 615516.

Allele frequency attached by ClinVar (database versions not stated): ExAC 0.00001; gnomAD exomes 0.00001 and 0.00002; gnomAD 0.00003; 1000 Genomes Project 30x 0.00016; 1000 Genomes Project 0.00020; TOPMed 0.00001.
gnomAD v4.1: 10 of 1,611,858 alleles (0.00062%); highest among the groups gnomAD compares: Admixed American, 0.015%; no homozygotes.

Submissions (3):

CeGaT Center for Human Genetics Tuebingen
Classification: Uncertain significance. Last evaluated: 2026-07-01. Review status: criteria provided, single submitter. Criteria: CeGaT Center For Human Genetics Tuebingen Variant Classification Criteria Version 2. Collection method: clinical testing. Allele origin: germline. Affected: yes. Observed: 1 variant allele.
Comment: HERC2: PM2

Baylor Genetics
Classification: Uncertain significance for Developmental delay with autism spectrum disorder and gait instability. Last evaluated: 2024-02-06. Review status: criteria provided, single submitter. Criteria: ACMG Guidelines, 2015. Collection method: clinical testing. Allele origin: unknown.

Ambry Genetics
Classification: Uncertain significance for Inborn genetic diseases. Last evaluated: 2022-08-10. Review status: criteria provided, single submitter. Criteria: Ambry Variant Classification Scheme 2023. Collection method: clinical testing. Allele origin: germline.
Comment: The alteration results in an amino acid change:_x000D_ _x000D_ The c.922T>G (p.S308A) alteration is located in exon 9 (coding exon 8) of the HERC2 gene. This alteration results from a T to G substitution at nucleotide position 922, causing the serine (S) at amino acid position 308 to be replaced by an alanine (A). The alteration is rare in population databases:_x000D_ _x000D_ Based on data from the Genome Aggregation Database (gnomAD), the HERC2 c.922T>G alteration was observed in 0.002% (5/250978) of total alleles studied. The altered amino acid is conserved throughout evolution:_x000D_ _x000D_ The p.S308 amino acid is conserved in available vertebrate species. The alteration is predicted tolerated by in silico modeling:_x000D_ _x000D_ The p.S308A alteration is predicted to be tolerated by in silico analysis. Based on insufficient or conflicting evidence, the clinical significance of this alteration remains unclear.

NM_004667.6(HERC2):c.922T>G (p.Ser308Ala)

Gene: HERC2 (HECT and RLD domain containing E3 ubiquitin protein ligase 2; minus strand). Cytogenetic location: 15q13.1.
Variant type: single nucleotide variant.
Coding change: c.922T>G on transcript NM_004667.6 (MANE Select); coding-DNA position 922, T replaced by G.
Protein change: p.Ser308Ala; replaces serine 308 with alanine.
Molecular consequence: missense variant.
Genome position (GRCh38, 1-based): chr15:28,272,376, A>C on the plus strand (T>G on the coding strand, the complement: HERC2 is on the minus strand). VCF-style: chr15-28272376-A-C. GRCh37 (hg19) VCF-style: chr15-28517522-A-C.
Other names: short protein forms S308A.
Identifiers: ClinVar variation 986053 (VCV000986053.7), dbSNP rs534209639, ClinGen allele CA267947501.
Genomic context (GRCh38, chr15:28,272,376, plus strand): 5'-GCTCATTGTCAGTCTCCTGTGCCCCGCTGTCCCACAGCTGAAGCAACAACAGGATGGCAG[A>C]CAACATTTGGCTAAAGGAGAAAAGATATTTATTCTAGTAAAAACAGATTAACTTCTTTTC-3'
Protein context (NP_004658.3, residues 298-318): VQRGTLSQML[Ser308Ala]AILLLLQLWD